The following is an entry in ClinVar:

NM_001271.4(CHD2):c.3367G>C (p.Val1123Leu)

Gene: CHD2 (chromodomain helicase DNA binding protein 2; plus strand). Cytogenetic location: 15q26.1.
Variant type: single nucleotide variant.
Coding change: c.3367G>C on transcript NM_001271.4 (MANE Select); coding-DNA position 3367, G replaced by C.
Protein change: p.Val1123Leu; replaces valine 1123 with leucine.
Molecular consequence: missense variant.
Genome position (GRCh38, 1-based): chr15:92,985,627, G>C. VCF-style: chr15-92985627-G-C. GRCh37 (hg19) VCF-style: chr15-93528857-G-C.
Other names: short protein forms V1123L.
Identifiers: ClinVar variation 2506845 (VCV002506845.1), dbSNP rs1295966448, ClinGen allele CA393895767.

ClinVar aggregate classification (germline): Uncertain significance (1 of 4 stars; one submission).

Submission:

GeneDx
Classification: Uncertain significance. Last evaluated: 2022-12-22. Review status: criteria provided, single submitter. Criteria: GeneDx Variant Classification Process June 2021. Collection method: clinical testing. Allele origin: germline. Affected: yes.
Comment: Not observed at significant frequency in large population cohorts (gnomAD); In silico analysis supports that this missense variant does not alter protein structure/function; Has not been previously published as pathogenic or benign to our knowledge